The following is an entry in ClinVar:

ClinVar aggregate classification (germline): Conflicting classifications of pathogenicity. Review status: criteria provided, conflicting classifications (1 of 4 stars). 3 submissions from 3 submitters: Likely pathogenic (2); Uncertain significance (1). Last evaluated 2026-09-08.

Conditions:
Fabry disease. Also called: ALPHA-GALACTOSIDASE A DEFICIENCY; Fabry's disease; Ceramide trihexosidosis; Angiokeratoma corporis diffusum; ANDERSON-FABRY DISEASE; CERAMIDE TRIHEXOSIDASE DEFICIENCY. Identifiers: Orphanet 324, MedGen C0002986, MONDO:0010526, OMIM 301500, HP:0001071. Disease mechanism: loss of function, Fabry disease is due to inactivating mutations in the X-linked GLA gene resulting in deficiency of the enzyme Alpha Galactosidase-A..

Submissions (3):

Genomenon, Inc
Classification: Likely pathogenic for Fabry disease. Last evaluated: 2026-09-08. Review status: criteria provided, single submitter. Criteria: Genomenon Sequence Variant Interpretation Standards - Updated. Collection method: curation. Allele origin: germline. Affected: yes.
Comment: GLA p.Leu294Ser (c.881T>C) is a missense variant that changes the amino acid at codon 294 from Leucine to Serine. This variant has been observed in at least one proband with clinical features consistent with Fabry disease (PMID:32198894;32534932;31010832;28682471;39980015;31587315;36569886). At least one functional study has demonstrated a substantial alteration in protein function relative to the wild-type (PMID:32023956;32198894;27657681;23935525). It is absent or not present at a significant frequency in gnomAD. In silico models predict that this variant is possibly or probably damaging. In conclusion, we classify GLA p.Leu294Ser (c.881T>C) as a likely pathogenic variant.

Women's Health and Genetics/Laboratory Corporation of America, LabCorp
Classification: Likely pathogenic for Fabry disease. Last evaluated: 2025-12-19. Review status: criteria provided, single submitter. Criteria: LabCorp Variant Classification Summary - May 2015. Collection method: clinical testing. Allele origin: germline.
Comment: Variant summary: GLA c.881T>C (p.Leu294Ser) results in a non-conservative amino acid change in the encoded protein sequence. Algorithms developed to predict the effect of missense changes on protein structure and function all suggest that this variant is likely to be disruptive. The frequency data for this variant in gnomAD is considered unreliable, as metrics indicate poor data quality at this position. c.881T>C has been observed in individuals affected with Fabry disease (e.g. Lukas_2013, Niemann_2014, Lenders_2015, Lenders_2020). These data indicate that the variant may be associated with disease. At least two publications reports experimental evidence evaluating an impact on protein function in vitro. In both studies, the most pronounced variant effect resulted in <1% of normal enzyme activity relative to wild type (e.g. Lukas_2013, Lenders_2020). The following publications have been ascertained in the context of this evaluation (PMID: 32198894, 25663229, 23935525, 24395922). ClinVar contains an entry for this variant (Variation ID: 3724319). Based on the evidence outlined above, the variant was classified as likely pathogenic.

Labcorp Genetics (formerly Invitae), Labcorp
Classification: Uncertain significance for Fabry disease. Last evaluated: 2024-08-29. Review status: criteria provided, single submitter. Criteria: Invitae Variant Classification Sherloc (09022015). Collection method: clinical testing. Allele origin: germline.
Comment: This sequence change replaces leucine, which is neutral and non-polar, with serine, which is neutral and polar, at codon 294 of the GLA protein (p.Leu294Ser). This variant is not present in population databases (gnomAD no frequency). This variant has not been reported in the literature in individuals affected with GLA-related conditions. Invitae Evidence Modeling of protein sequence and biophysical properties (such as structural, functional, and spatial information, amino acid conservation, physicochemical variation, residue mobility, and thermodynamic stability) indicates that this missense variant is expected to disrupt GLA protein function with a positive predictive value of 80%. Experimental studies have shown that this missense change affects GLA function (PMID: 23935525). In summary, the available evidence is currently insufficient to determine the role of this variant in disease. Therefore, it has been classified as a Variant of Uncertain Significance.

Literature cited by the submitters: PubMed 32198894 (cited by Genomenon, Inc and Women's Health and Genetics/Laboratory Corporation of America, LabCorp); PubMed 32534932 (cited by Genomenon, Inc); PubMed 31010832 (cited by Genomenon, Inc); PubMed 28682471 (cited by Genomenon, Inc); PubMed 39980015 (cited by Genomenon, Inc); PubMed 31587315 (cited by Genomenon, Inc); PubMed 36569886 (cited by Genomenon, Inc); PubMed 32023956 (cited by Genomenon, Inc); PubMed 27657681 (cited by Genomenon, Inc); PubMed 23935525 (cited by 3 submitters); PubMed 24395922 (cited by Women's Health and Genetics/Laboratory Corporation of America, LabCorp); PubMed 25663229 (cited by Women's Health and Genetics/Laboratory Corporation of America, LabCorp).

NM_000169.3(GLA):c.881T>C (p.Leu294Ser)

Genes: GLA (galactosidase alpha; minus strand), RPL36A-HNRNPH2 (RPL36A-HNRNPH2 readthrough; plus strand). Cytogenetic location: Xq22.1.
Variant type: single nucleotide variant.
Coding change: c.881T>C on transcript NM_000169.3 (MANE Select); coding-DNA position 881, T replaced by C.
Protein change: p.Leu294Ser; replaces leucine 294 with serine.
Molecular consequence: missense variant. On other transcripts: non-coding transcript variant (3), intron variant (2).
Genome position (GRCh38, 1-based): chrX:101,398,488, A>G on the plus strand (T>C on the coding strand, the complement: GLA is on the minus strand). VCF-style: chrX-101398488-A-G. GRCh37 (hg19) VCF-style: chrX-100653476-A-G.
Other names: c.1004T>C, p.Leu335Ser (NM_001406747.1); c.881T>C, p.Leu294Ser (NM_001406748.1); c.300+3031A>G (NM_001199973.2); c.177+6666A>G (NM_001199974.2); short protein forms L335S, L294S.
Identifiers: ClinVar variation 3724319 (VCV003724319.5).